The following is an entry in ClinVar:

NM_001905.4(CTPS1):c.386C>T (p.Ala129Val)

Gene: CTPS1 (CTP synthase 1; plus strand). Cytogenetic location: 1p34.2.
Variant type: single nucleotide variant.
Coding change: c.386C>T on transcript NM_001905.4 (MANE Select); coding-DNA position 386, C replaced by T.
Protein change: p.Ala129Val; replaces alanine 129 with valine.
Molecular consequence: missense variant. On other transcripts: non-coding transcript variant (1).
Genome position (GRCh38, 1-based): chr1:40,987,420, C>T. VCF-style: chr1-40987420-C-T. GRCh37 (hg19) VCF-style: chr1-41453092-C-T.
Other names: short protein forms A129V.
Identifiers: ClinVar variation 1003774 (VCV001003774.6), dbSNP rs143058120, ClinGen allele CA795238.

ClinVar aggregate classification (germline): Uncertain significance (1 of 4 stars; one submission).

Conditions:
Combined immunodeficiency due to CTPS1 deficiency. Also called: Immunodeficiency 24; Severe combined immunodeficiency due to CTPS1 deficiency. Identifiers: Orphanet 420573, MedGen C4014617, MONDO:0014391, OMIM 615897.

Allele frequency attached by ClinVar (database versions not stated): gnomAD exomes 0.00008; ESP Exome Variant Server 0.00015; gnomAD 0.00003 and 0.00004; TOPMed 0.00006; ExAC 0.00008.
gnomAD v4.1: 81 of 1,613,870 alleles (0.005%); highest among the groups gnomAD compares: South Asian, 0.022%; no homozygotes.

Submission:

Labcorp Genetics (formerly Invitae), Labcorp
Classification: Uncertain significance for Combined immunodeficiency due to CTPS1 deficiency. Last evaluated: 2022-09-01. Review status: criteria provided, single submitter. Criteria: Invitae Variant Classification Sherloc (09022015). Collection method: clinical testing. Allele origin: germline.
Comment: This sequence change replaces alanine, which is neutral and non-polar, with valine, which is neutral and non-polar, at codon 129 of the CTPS1 protein (p.Ala129Val). The frequency data for this variant in the population databases is considered unreliable, as metrics indicate poor data quality at this position in the gnomAD database. This variant has not been reported in the literature in individuals affected with CTPS1-related conditions. ClinVar contains an entry for this variant (Variation ID: 1003774). Algorithms developed to predict the effect of missense changes on protein structure and function are either unavailable or do not agree on the potential impact of this missense change (SIFT: "Deleterious"; PolyPhen-2: "Probably Damaging"; Align-GVGD: "Class C0"). Algorithms developed to predict the effect of sequence changes on RNA splicing suggest that this variant may create or strengthen a splice site. In summary, the available evidence is currently insufficient to determine the role of this variant in disease. Therefore, it has been classified as a Variant of Uncertain Significance.